The following is an entry in ClinVar:

ClinVar aggregate classification (germline): Benign/Likely benign. Review status: criteria provided, multiple submitters, no conflicts (2 of 4 stars). 13 submissions from 13 submitters: Benign (6); Likely benign (5). 2 of the submissions do not count toward it. Last evaluated 2026-02-02.

Conditions:
Developmental and epileptic encephalopathy, 85, with or without midline brain defects. Also called: EPILEPTIC ENCEPHALOPATHY, EARLY INFANTILE, 85, WITH OR WITHOUT MIDLINE BRAIN DEFECTS. Identifiers: MedGen C5393312, MONDO:0026771, OMIM 301044.
Congenital muscular hypertrophy-cerebral syndrome (CDLS2). Also called: SMC1A-Related Cornelia de Lange Syndrome; Cornelia de Lange syndrome 2. Identifiers: Orphanet 199, MedGen C1802395, MONDO:0010370, OMIM 300590.
Inborn genetic diseases. Identifiers: MedGen C0950123, MeSH D030342.

Allele frequency attached by ClinVar (database versions not stated): 1000 Genomes Project 0.00053; ESP Exome Variant Server 0.00095; TOPMed 0.00171; gnomAD 0.00178 and 0.00183; 1000 Genomes Project 30x 0.00042.
gnomAD v4.1: 1,959 of 1,205,088 alleles (0.16%); highest among the groups gnomAD compares: Middle Eastern, 0.64%; 5 homozygotes.

Submissions (13):

Labcorp Genetics (formerly Invitae), Labcorp
Classification: Benign for Congenital muscular hypertrophy-cerebral syndrome. Last evaluated: 2026-02-02. Review status: criteria provided, single submitter. Criteria: Invitae Variant Classification Sherloc (09022015). Collection method: clinical testing. Allele origin: germline.

Blueprint Genetics
Classification: Likely benign. Last evaluated: 2024-11-14. Review status: criteria provided, single submitter. Criteria: ACMG Guidelines, 2015. Collection method: clinical testing. Allele origin: germline.

ARUP Laboratories, Molecular Genetics and Genomics, ARUP Laboratories
Classification: Benign. Last evaluated: 2024-06-07. Review status: criteria provided, single submitter. Criteria: ARUP Molecular Germline Variant Investigation Process 2024. Collection method: clinical testing. Allele origin: germline.

Fulgent Genetics
Classification: Likely benign for Congenital muscular hypertrophy-cerebral syndrome; Developmental and epileptic encephalopathy, 85, with or without midline brain defects. Last evaluated: 2021-07-28. Review status: criteria provided, single submitter. Criteria: ACMG Guidelines, 2015. Collection method: clinical testing. Allele origin: unknown.

GeneDx
Classification: Benign. Last evaluated: 2019-01-08. Review status: criteria provided, single submitter. Criteria: GeneDx Variant Classification Process June 2021. Collection method: clinical testing. Allele origin: germline. Affected: yes.

Illumina Laboratory Services, Illumina
Classification: Benign for Congenital muscular hypertrophy-cerebral syndrome. Last evaluated: 2018-01-12. Review status: criteria provided, single submitter. Criteria: ICSL Variant Classification Criteria 13 December 2019. Collection method: clinical testing. Allele origin: germline.
Comment: This variant was observed in the ICSL laboratory as part of a predisposition screen in an ostensibly healthy population. It had not been previously curated by ICSL or reported in the Human Gene Mutation Database (HGMD: prior to June 1st, 2018), and was therefore a candidate for classification through an automated scoring system. Utilizing variant allele frequency, disease prevalence and penetrance estimates, and inheritance mode, an automated score was calculated to assess if this variant is too frequent to cause the disease. Based on the score and internal cut-off values, a variant classified as benign is not then subjected to further curation. The score for this variant resulted in a classification of benign for this disease.

Ambry Genetics
Classification: Likely benign for Inborn genetic diseases. Last evaluated: 2016-10-31. Review status: criteria provided, single submitter. Criteria: Ambry Variant Classification Scheme 2023. Collection method: clinical testing. Allele origin: germline.

Eurofins Ntd Llc (ga)
Classification: Benign. Last evaluated: 2015-02-02. Review status: criteria provided, single submitter. Criteria: EGL Classification Definitions 2015. Collection method: clinical testing. Allele origin: germline. Observed: 2 variant alleles, 2 heterozygotes.

Genetic Services Laboratory, University of Chicago
Classification: Benign. Last evaluated: 2013-02-08. Review status: criteria provided, single submitter. Criteria: ACMG Guidelines, 2007. Collection method: clinical testing. Allele origin: germline. Inheritance: X-linked inheritance.

Breakthrough Genomics
Classification: Likely benign. Review status: criteria provided, single submitter. Criteria: ACMG Guidelines, 2015. Collection method: not provided. Allele origin: germline. Inheritance: X-linked inheritance. Affected: yes.

PreventionGenetics, part of Exact Sciences
Classification: Likely benign. Review status: criteria provided, single submitter. Criteria: ACMG Guidelines, 2015. Collection method: clinical testing. Allele origin: germline.

Clinical Genetics DNA and cytogenetics Diagnostics Lab, Erasmus MC, Erasmus Medical Center
Classification: Likely benign. Review status: no assertion criteria provided. Collection method: clinical testing. Allele origin: germline. Affected: yes. Study: VKGL Data-share Consensus. Not counted in ClinVar's aggregate classification.

Genome Diagnostics Laboratory, University Medical Center Utrecht
Classification: Likely benign. Review status: no assertion criteria provided. Collection method: clinical testing. Allele origin: germline. Affected: yes. Study: VKGL Data-share Consensus. Not counted in ClinVar's aggregate classification.

NM_006306.4(SMC1A):c.3450C>T (p.Ala1150=)

Gene: SMC1A (structural maintenance of chromosomes 1A; minus strand). Cytogenetic location: Xp11.22.
Variant type: single nucleotide variant.
Coding change: c.3450C>T on transcript NM_006306.4 (MANE Select); coding-DNA position 3450, C replaced by T.
Protein change: p.Ala1150=; no amino-acid change (alanine 1150 retained).
Molecular consequence: synonymous variant.
Genome position (GRCh38, 1-based): chrX:53,381,075, G>A on the plus strand (C>T on the coding strand, the complement: SMC1A is on the minus strand). VCF-style: chrX-53381075-G-A. GRCh37 (hg19) VCF-style: chrX-53407996-G-A.
Other names: c.3384C>T, p.Ala1128= (NM_001281463.1).
Identifiers: ClinVar variation 159957 (VCV000159957.35), dbSNP rs142611198, ClinGen allele CA173515.
Genomic context (GRCh38, chrX:53,381,075, plus strand): 5'-CACCTTGCCAATGTTGGTGTTATCCAAGGCAGCATCAATCTCATCCAGGACGAAGAAGGG[G>A]GCTGGCTTGTAGCTGGGAGGGAACCAGTAGGTGAGCTGACACTGAGGCGGGGAGGGGGTG-3'
Protein context (NP_006297.2, residues 1140-1160): LLFAIHSYKP[Ala1150=]PFFVLDEIDA